The following is an entry in ClinVar:

ClinVar aggregate classification (germline): Conflicting classifications of pathogenicity. Review status: criteria provided, conflicting classifications (1 of 4 stars). 5 submissions from 5 submitters: Uncertain significance (2); Likely benign (1). 2 of the submissions do not count toward it. Last evaluated 2025-08-24.

Conditions:
Inborn genetic diseases. Identifiers: MedGen C0950123, MeSH D030342.
Cohen syndrome (COH1). Also called: Cutis verticis gyrata, retinitis pigmentosa, and sensorineural deafness; PEPPER SYNDROME. Identifiers: Orphanet 193, MedGen C0265223, MONDO:0008999, OMIM 216550.
VPS13B-related disorder. Also called: VPS13B-related condition.

Allele frequency attached by ClinVar (database versions not stated): ExAC 0.00001; gnomAD exomes 0.00001; TOPMed 0.00001.
gnomAD v4.1: 14 of 1,613,774 alleles (0.00087%); highest among the groups gnomAD compares: Middle Eastern, 0.017%; no homozygotes.

Submissions (5):

Labcorp Genetics (formerly Invitae), Labcorp
Classification: Uncertain significance for Cohen syndrome. Last evaluated: 2025-08-24. Review status: criteria provided, single submitter. Criteria: Invitae Variant Classification Sherloc (09022015). Collection method: clinical testing. Allele origin: germline.
Comment: This sequence change replaces valine, which is neutral and non-polar, with isoleucine, which is neutral and non-polar, at codon 1689 of the VPS13B protein (p.Val1689Ile). This variant is present in population databases (rs770669224, gnomAD 0.002%). This variant has not been reported in the literature in individuals affected with VPS13B-related conditions. ClinVar contains an entry for this variant (Variation ID: 909330). Invitae Evidence Modeling of protein sequence and biophysical properties (such as structural, functional, and spatial information, amino acid conservation, physicochemical variation, residue mobility, and thermodynamic stability) indicates that this missense variant is not expected to disrupt VPS13B protein function with a negative predictive value of 80%. In summary, the available evidence is currently insufficient to determine the role of this variant in disease. Therefore, it has been classified as a Variant of Uncertain Significance.

Ambry Genetics
Classification: Likely benign for Inborn genetic diseases. Last evaluated: 2022-06-10. Review status: criteria provided, single submitter. Criteria: Ambry Variant Classification Scheme 2023. Collection method: clinical testing. Allele origin: germline.

Illumina Laboratory Services, Illumina
Classification: Uncertain significance for Cohen syndrome. Last evaluated: 2018-01-13. Review status: criteria provided, single submitter. Criteria: ICSL Variant Classification Criteria 13 December 2019. Collection method: clinical testing. Allele origin: germline.

PreventionGenetics, part of Exact Sciences
Classification: Uncertain significance for VPS13B-related condition. Last evaluated: 2024-01-04. Review status: no assertion criteria provided. Collection method: clinical testing. Allele origin: germline. Not counted in ClinVar's aggregate classification.
Comment: The VPS13B c.4990G>A variant is predicted to result in the amino acid substitution p.Val1664Ile. To our knowledge, this variant has not been reported in the literature. This variant is reported in 0.0018% of alleles in individuals of European (Non-Finnish) descent in gnomAD. At this time, the clinical significance of this variant is uncertain due to the absence of conclusive functional and genetic evidence.

Natera, Inc.
Classification: Uncertain significance for Cohen syndrome. Last evaluated: 2021-07-20. Review status: no assertion criteria provided. Collection method: clinical testing. Allele origin: germline. Not counted in ClinVar's aggregate classification.

NM_152564.5(VPS13B):c.4990G>A (p.Val1664Ile)

Gene: VPS13B (vacuolar protein sorting 13 homolog B; plus strand). Cytogenetic location: 8q22.2.
Variant type: single nucleotide variant.
Coding change: c.4990G>A on transcript NM_152564.5 (MANE Select); coding-DNA position 4990, G replaced by A.
Protein change: p.Val1664Ile; replaces valine 1664 with isoleucine.
Molecular consequence: missense variant.
Genome position (GRCh38, 1-based): chr8:99,575,698, G>A. VCF-style: chr8-99575698-G-A. GRCh37 (hg19) VCF-style: chr8-100587926-G-A.
Other names: c.5065G>A, p.Val1689Ile (NM_017890.5); c.5065G>A (NM_017890.3); c.4990G>A (NM_152564.4); short protein forms V1689I, V1664I.
Identifiers: ClinVar variation 909330 (VCV000909330.14), dbSNP rs770669224, ClinGen allele CA4823715.